The following is an entry in ClinVar:

NM_004946.3(DOCK2):c.3511G>A (p.Val1171Met)

Gene: DOCK2 (dedicator of cytokinesis 2; plus strand). Cytogenetic location: 5q35.1.
Variant type: single nucleotide variant.
Coding change: c.3511G>A on transcript NM_004946.3 (MANE Select); coding-DNA position 3511, G replaced by A.
Protein change: p.Val1171Met; replaces valine 1171 with methionine.
Molecular consequence: missense variant. On other transcripts: non-coding transcript variant (1).
Genome position (GRCh38, 1-based): chr5:170,034,442, G>A. VCF-style: chr5-170034442-G-A. GRCh37 (hg19) VCF-style: chr5-169461446-G-A.
Other names: short protein forms V1171M.
Identifiers: ClinVar variation 1525140 (VCV001525140.6), dbSNP rs1756250011, ClinGen allele CA362107043.

ClinVar aggregate classification (germline): Uncertain significance (1 of 4 stars; one submission).

Conditions:
DOCK2 deficiency. Also called: Immunodeficiency 40. Identifiers: Orphanet 447737, MedGen C4225328, MONDO:0014637, OMIM 616433.

Allele frequency attached by ClinVar (database versions not stated): gnomAD exomes below 0.00001; TOPMed below 0.00001.
gnomAD v4.1: 1 of 1,614,220 alleles (0.000062%); highest among the groups gnomAD compares: South Asian, 0.0011%; no homozygotes.

Submission:

Labcorp Genetics (formerly Invitae), Labcorp
Classification: Uncertain significance for DOCK2 deficiency. Last evaluated: 2021-10-13. Review status: criteria provided, single submitter. Criteria: Invitae Variant Classification Sherloc (09022015). Collection method: clinical testing. Allele origin: germline.
Comment: This variant has not been reported in the literature in individuals affected with DOCK2-related conditions. Algorithms developed to predict the effect of missense changes on protein structure and function (SIFT, PolyPhen-2, Align-GVGD) all suggest that this variant is likely to be tolerated. In summary, the available evidence is currently insufficient to determine the role of this variant in disease. Therefore, it has been classified as a Variant of Uncertain Significance. This variant is not present in population databases (ExAC no frequency). This sequence change replaces valine with methionine at codon 1171 of the DOCK2 protein (p.Val1171Met). The valine residue is moderately conserved and there is a small physicochemical difference between valine and methionine.